The following is an entry in ClinVar:

NM_000516.7(GNAS):c.680A>G (p.Gln227Arg)

Gene: GNAS (GNAS complex locus; plus strand). Cytogenetic location: 20q13.32.
Variant type: single nucleotide variant.
Coding change: c.680A>G on transcript NM_000516.7 (MANE Select); coding-DNA position 680, A replaced by G.
Protein change: p.Gln227Arg; replaces glutamine 227 with arginine.
Molecular consequence: missense variant. On other transcripts: 3 prime UTR variant (2).
Genome position (GRCh38, 1-based): chr20:58,909,541, A>G. VCF-style: chr20-58909541-A-G. GRCh37 (hg19) VCF-style: chr20-57484596-A-G.
Other names: c.683A>G, p.Gln228Arg (NM_001077488.5); c.635A>G, p.Gln212Arg (NM_001077489.4); c.*541A>G (NM_001077490.3); c.503A>G, p.Gln168Arg (NM_001309840.2, NM_001309861.2); c.*586A>G (NM_016592.5); c.2609A>G, p.Gln870Arg (NM_080425.4); c.638A>G, p.Gln213Arg (NM_080426.4); short protein forms Q227R, Q212R, Q213R, Q228R, Q870R, Q168R.
Identifiers: ClinVar variation 15935 (VCV000015935.4), dbSNP rs121913494, ClinGen allele CA126074.
Genomic context (GRCh38, chr20:58,909,541, plus strand): 5'-CAGTCCCTCTGGAATAACCAGCTGTCCTCCTCCCCACCAGCATGTTTGACGTGGGTGGCC[A>G]GCGCGATGAACGCCGCAAGTGGATCCAGTGCTTCAACGGTAGGATGCTGTGGGCTTGGCT-3'
Protein context (NP_000507.1, residues 217-237): VNFHMFDVGG[Gln227Arg]RDERRKWIQC

ClinVar aggregate classification (germline): Likely pathogenic. Review status: criteria provided, single submitter (1 of 4 stars). 3 submissions from 3 submitters: Likely pathogenic (1). 2 of the submissions do not count toward it. Last evaluated 2025-06-13.

Conditions:
Pituitary adenoma 3, multiple types. Also called: PITUITARY ADENOMA 3, ACTH-SECRETING, SOMATIC; PITUITARY ADENOMA 3, GROWTH HORMONE-SECRETING, SOMATIC. Identifiers: MedGen C4540135, MONDO:0054665, OMIM 617686.
McCune-Albright syndrome (MAS). Also called: ALBRIGHT SYNDROME; Albright's Syndrome; McCune-Albright syndrome, somatic, mosaic; Fibrous Dysplasia / McCune-Albright Syndrome; Albright's disease. Identifiers: Orphanet 562, MedGen C0242292, MONDO:0018919, OMIM 174800.

Submissions (3):

3billion
Classification: Likely pathogenic for McCune-Albright syndrome. Last evaluated: 2025-06-13. Review status: criteria provided, single submitter. Criteria: ACMG Guidelines, 2015. Collection method: clinical testing. Allele origin: germline. Affected: yes.
Comment: The variant is not observed in the gnomAD v4.1.0 dataset. Predicted Consequence/Location: Missense variant In silico tool predictions suggest damaging effect of the variant on gene or gene product [REVEL: 0.89 (>=0.6, sensitivity 0.68 and specificity 0.92); 3Cnet: 0.99 (> 0.75, sensitivity 0.96 and precision 0.92)]. The same nucleotide change resulting in the same amino acid change has been previously reported as pathogenic/likely pathogenic with strong evidence (ClinVar ID: VCV000015935 /PMID: 17493233). A different missense change at the same codon (p.Gln227His) has been reported to be associated with GNAS-related disorder (ClinVar ID: VCV000015936). Therefore, this variant is classified as Likely pathogenic according to the recommendation of ACMG/AMP guideline.

OMIM
Classification: Pathogenic for PITUITARY ADENOMA 3, MULTIPLE TYPES, SOMATIC. Last evaluated: 1995-02-01. Review status: no assertion criteria provided. Collection method: literature only. Allele origin: somatic. Not counted in ClinVar's aggregate classification.

GeneReviews
No classification provided. Condition: McCune-Albright syndrome. Review status: no classification provided. Collection method: literature only. Allele origin: germline. Affected: yes. Not counted in ClinVar's aggregate classification.

Literature cited by the submitters: PubMed 17493233 (cited by 3billion and GeneReviews); PubMed 2549426 (cited by OMIM); PubMed 7737262 (cited by OMIM); NCBI Bookshelf NBK274564 (cited by GeneReviews).